The following is an entry in ClinVar:

NM_173076.3(ABCA12):c.5607C>G (p.Tyr1869Ter)

Gene: ABCA12 (ATP binding cassette subfamily A member 12; minus strand). Cytogenetic location: 2q35.
Variant type: single nucleotide variant.
Coding change: c.5607C>G on transcript NM_173076.3 (MANE Select); coding-DNA position 5607, C replaced by G.
Protein change: p.Tyr1869Ter; replaces tyrosine 1869 with a stop codon.
Molecular consequence: nonsense. On other transcripts: non-coding transcript variant (1).
Genome position (GRCh38, 1-based): chr2:214,970,356, G>C on the plus strand (C>G on the coding strand, the complement: ABCA12 is on the minus strand). VCF-style: chr2-214970356-G-C. GRCh37 (hg19) VCF-style: chr2-215835080-G-C.
Other names: c.4653C>G, p.Tyr1551Ter (NM_015657.4); short protein forms Y1551*, Y1869*.
Identifiers: ClinVar variation 2699455 (VCV002699455.3), dbSNP rs755231595, ClinGen allele CA350453757.

ClinVar aggregate classification (germline): Pathogenic (1 of 4 stars; one submission).

Submission:

Labcorp Genetics (formerly Invitae), Labcorp
Classification: Pathogenic. Last evaluated: 2023-11-28. Review status: criteria provided, single submitter. Criteria: Invitae Variant Classification Sherloc (09022015). Collection method: clinical testing. Allele origin: germline.
Comment: This sequence change creates a premature translational stop signal (p.Tyr1869*) in the ABCA12 gene. It is expected to result in an absent or disrupted protein product. Loss-of-function variants in ABCA12 are known to be pathogenic (PMID: 20672373). This variant is not present in population databases (gnomAD no frequency). This variant has not been reported in the literature in individuals affected with ABCA12-related conditions. For these reasons, this variant has been classified as Pathogenic.

Literature cited by the submitters: PubMed 20672373.